The following is an entry in ClinVar:

NM_014014.5(SNRNP200):c.4062C>T (p.Ser1354=)

Gene: SNRNP200 (small nuclear ribonucleoprotein U5 subunit 200; minus strand). Cytogenetic location: 2q11.2.
Variant type: single nucleotide variant.
Coding change: c.4062C>T on transcript NM_014014.5 (MANE Select); coding-DNA position 4062, C replaced by T.
Protein change: p.Ser1354=; no amino-acid change (serine 1354 retained).
Molecular consequence: synonymous variant.
Genome position (GRCh38, 1-based): chr2:96,285,282, G>A on the plus strand (C>T on the coding strand, the complement: SNRNP200 is on the minus strand). VCF-style: chr2-96285282-G-A. GRCh37 (hg19) VCF-style: chr2-96951020-G-A.
Other names: c.4062C>T (NM_014014.4).
Identifiers: ClinVar variation 1621515 (VCV001621515.9), dbSNP rs749837218, ClinGen allele CA1778308.

ClinVar aggregate classification (germline): Likely benign. Review status: criteria provided, single submitter (1 of 4 stars). 2 submissions from 2 submitters: Likely benign (1). 1 of the submissions does not count toward it. Last evaluated 2024-02-24.

Conditions:
SNRNP200-related disorder. Also called: SNRNP200-related condition.

Allele frequency attached by ClinVar (database versions not stated): TOPMed 0.00001; ExAC 0.00002; gnomAD exomes 0.00002; gnomAD 0.00003.

Submissions (2):

Labcorp Genetics (formerly Invitae), Labcorp
Classification: Likely benign. Last evaluated: 2024-02-24. Review status: criteria provided, single submitter. Criteria: Invitae Variant Classification Sherloc (09022015). Collection method: clinical testing. Allele origin: germline.

PreventionGenetics, part of Exact Sciences
Classification: Likely benign for SNRNP200-related condition. Last evaluated: 2024-07-29. Review status: no assertion criteria provided. Collection method: clinical testing. Allele origin: germline. Not counted in ClinVar's aggregate classification.
Comment: This variant is classified as likely benign based on ACMG/AMP sequence variant interpretation guidelines (Richards et al. 2015 PMID: 25741868, with internal and published modifications).